The following is an entry in ClinVar:

NM_000466.3(PEX1):c.1851T>A (p.Phe617Leu)

Gene: PEX1 (peroxisomal biogenesis factor 1; minus strand). Cytogenetic location: 7q21.2.
Variant type: single nucleotide variant.
Coding change: c.1851T>A on transcript NM_000466.3 (MANE Select); coding-DNA position 1851, T replaced by A.
Protein change: p.Phe617Leu; replaces phenylalanine 617 with leucine.
Molecular consequence: missense variant.
Genome position (GRCh38, 1-based): chr7:92,506,297, A>T on the plus strand (T>A on the coding strand, the complement: PEX1 is on the minus strand). VCF-style: chr7-92506297-A-T. GRCh37 (hg19) VCF-style: chr7-92135611-A-T.
Other names: c.1851T>A, p.Phe617Leu (NM_001282677.2); c.1227T>A, p.Phe409Leu (NM_001282678.2); short protein forms F409L, F617L.
Identifiers: ClinVar variation 1392915 (VCV001392915.3), dbSNP rs762766482, ClinGen allele CA368184973.
Genomic context (GRCh38, chr7:92,506,297, plus strand): 5'-CATACTCATACCTCGTAAAGCTTTACAGTCAACTCTCTCCACATGGGCATCCAGTTTGTC[A>T]AATGCTTCTTTACAGATTGCTTTGGCTAAAGTTGATTTTCCACTTCCCTAGAAAATAATT-3'
Protein context (NP_000457.1, residues 607-627): TLAKAICKEA[Phe617Leu]DKLDAHVERV

ClinVar aggregate classification (germline): Uncertain significance (1 of 4 stars; one submission).

Conditions:
Zellweger spectrum disorders (ZS). Also called: Zellweger Spectrum Disorder (ZSD); Zellweger syndrome; Zellweger Spectrum Disorder; Zellweger Spectrum. Identifiers: Orphanet 912, MedGen C0043459, MONDO:0019609.

Allele frequency attached by ClinVar (database versions not stated): gnomAD exomes below 0.00001 and 0.00001; gnomAD 0.00001; TOPMed 0.00002.
gnomAD v4.1: 5 of 1,612,470 alleles (0.00031%); highest among the groups gnomAD compares: Admixed American, 0.0067%; no homozygotes.

Submission:

Labcorp Genetics (formerly Invitae), Labcorp
Classification: Uncertain significance for Zellweger spectrum disorders. Last evaluated: 2021-09-26. Review status: criteria provided, single submitter. Criteria: Invitae Variant Classification Sherloc (09022015). Collection method: clinical testing. Allele origin: germline.
Comment: This sequence change replaces phenylalanine with leucine at codon 617 of the PEX1 protein (p.Phe617Leu). The phenylalanine residue is weakly conserved and there is a small physicochemical difference between phenylalanine and leucine. This variant is not present in population databases (ExAC no frequency). This variant has not been reported in the literature in individuals affected with PEX1-related conditions. Advanced modeling of protein sequence and biophysical properties (such as structural, functional, and spatial information, amino acid conservation, physicochemical variation, residue mobility, and thermodynamic stability) performed at Invitae indicates that this missense variant is not expected to disrupt PEX1 protein function. In summary, the available evidence is currently insufficient to determine the role of this variant in disease. Therefore, it has been classified as a Variant of Uncertain Significance.